The following is an entry in ClinVar:

ClinVar aggregate classification (germline): Pathogenic. Review status: reviewed by expert panel (3 of 4 stars). 2 submissions from 2 submitters: Pathogenic (1). 1 of the submissions does not count toward it. Last evaluated 2024-09-03.

Conditions:
von Willebrand disease type 2N (VWD2N). Identifiers: Orphanet 166093, MedGen C1282975, MONDO:0015631.

Allele frequency attached by ClinVar (database versions not stated): gnomAD exomes 0.00003; gnomAD 0.00005; TOPMed 0.00005.
gnomAD v4.1: 16 of 1,614,030 alleles (0.00099%); highest among the groups gnomAD compares: Admixed American, 0.023%; no homozygotes.

Submissions (2):

ClinGen von Willebrand Disease Variant Curation Expert Panel, ClinGen
Classification: Pathogenic for von Willebrand disease type 2N. Last evaluated: 2024-09-03. Review status: reviewed by expert panel. Criteria: ClinGen VWD 2N Rules. Collection method: curation. Allele origin: germline. Inheritance: Autosomal recessive inheritance.
Comment: The NM_000552.5(VWF):c.2635G>A variant in VWF is a missense variant predicted to cause substitution of aspartic acid by asparagine at amino acid 879. The Grpmax filtering allele frequency in gnomAD v4.1 is 0.0001409 (based on 14/59994 alleles in the Admixed American population), which is lower than the ClinGen VWD VCEP threshold (<0.005 for type 2N) for PM2_Supporting. At least 1 patient with this variant displayed mildly prolonged mucocutaneous bleeding, low FVIII activity, decreased VWF:FVIII binding, reduced ability to agglutinate platelets in the presence of ristocetin (VWF:RCo), and reduced VWF expression, which is highly specific for VWD type 2N, despite the reduced HMW multimers (PP4, PMID: 9845532). This patient was compound heterozygous and harbored a second variant (p.Arg1659Ter) in trans that has been classified Pathogenic by the VCEP, (PMID: 9845532, PM3). Factor VIII binding assay performed with the p.Asp879Asn mutant and wild-type recombinant vWF expressed by and purified from HEK293 cells showed dramatically decreased binding, indicating that this variant has a damaging effect on protein function (PMID: 30111575, PMID: 9845532) (PS3). The computational predictor REVEL gives a score of 0.66, which is above the ClinGen VWD VCEP threshold of >0.644 and predicts a damaging effect on VWF function (PP3). In summary, this variant meets the criteria to be classified as Pathogenic for von Willebrand disease type 2N. ACMG/AMP criteria applied as specified by the ClinGen von Willebrand disease Variant Curation Expert Panel: PM3, PM2_Supporting, PS3, PP3, PP4.

Academic Unit of Haematology, University of Sheffield
No classification provided. Review status: no classification provided. Collection method: not provided. Allele origin: not provided. Not counted in ClinVar's aggregate classification.

NM_000552.5(VWF):c.2635G>A (p.Asp879Asn)

Gene: VWF (von Willebrand factor; minus strand). Cytogenetic location: 12p13.31.
Variant type: single nucleotide variant.
Coding change: c.2635G>A on transcript NM_000552.5 (MANE Select); coding-DNA position 2635, G replaced by A.
Protein change: p.Asp879Asn; replaces aspartic acid 879 with asparagine.
Molecular consequence: missense variant.
Genome position (GRCh38, 1-based): chr12:6,034,738, C>T on the plus strand (G>A on the coding strand, the complement: VWF is on the minus strand). VCF-style: chr12-6034738-C-T. GRCh37 (hg19) VCF-style: chr12-6143904-C-T.
Other names: NM_000552.5(VWF):c.2635G>A; p.Asp879Asn; short protein forms D879N.
Identifiers: ClinVar variation 100231 (VCV000100231.2), dbSNP rs61748485, ClinGen allele CA228357.
Genomic context (GRCh38, chr12:6,034,738, plus strand): 5'-CACCTCTCACCTGCACCAGAACGTACTGGCACTCCCCGGGGAACAGGTATTTGAGCCCGT[C>T]GAAGGTGAGGTAGTGGGCCATGCCGATCGTGGAGCACGTGGCATCACACACATGGTCTGT-3'
Protein context (NP_000543.3, residues 869-889): TIGMAHYLTF[Asp879Asn]GLKYLFPGEC